The following is an entry in ClinVar:

NM_007294.4(BRCA1):c.-19-3A>C

Gene: BRCA1 (BRCA1 DNA repair associated; minus strand). Cytogenetic location: 17q21.31.
Variant type: single nucleotide variant.
Coding change: c.-19-3A>C on transcript NM_007294.4 (MANE Select); 3 bases into the intron before 19 bases upstream of the start codon, A replaced by C.
Molecular consequence: intron variant.
Genome position (GRCh38, 1-based): chr17:43,124,118, T>G on the plus strand (A>C on the coding strand, the complement: BRCA1 is on the minus strand). VCF-style: chr17-43124118-T-G. GRCh37 (hg19) VCF-style: chr17-41276135-T-G.
Other names: c.-106-3A>C (NM_007297.4); c.-19-3A>C (NM_007299.4, NM_007300.4).
Identifiers: ClinVar variation 864946 (VCV000864946.5), dbSNP rs273898669, ClinGen allele CA916081181.

ClinVar aggregate classification (germline): Likely benign (1 of 4 stars; one submission).

Conditions:
Hereditary breast ovarian cancer syndrome. Also called: Hereditary breast and/or ovarian cancer syndrome; BRCA1- and BRCA2-Associated Hereditary Breast and Ovarian Cancer; Hereditary breast and ovarian cancer syndrome; Hereditary breast and ovarian cancer; Hereditary breast and ovarian cancer syndrome (HBOC); Breast and ovarian cancer. Identifiers: Orphanet 145, MedGen C0677776, MeSH D061325, MONDO:0003582. Disease mechanism: loss of function.

Submissions (2):

Labcorp Genetics (formerly Invitae), Labcorp
Classification: Likely benign for Hereditary breast ovarian cancer syndrome. Last evaluated: 2025-10-23. Review status: criteria provided, single submitter. Criteria: Invitae Variant Classification Sherloc (09022015). Collection method: clinical testing. Allele origin: germline.

Brotman Baty Institute, University of Washington
No classification provided (evidence only). Condition: Breast-ovarian cancer, familial 1. Review status: no classification provided. Collection method: in vitro. Allele origin: not applicable. Functional consequence: functionally_normal. Not counted in ClinVar's aggregate classification.
ClinVar note: "not provided" was previously submitted as the classification for the variant. However, the classification appeared to be based only on an observation of functional data so it was converted to no classification on 2025-07-30.